The following is an entry in ClinVar:

ClinVar aggregate classification (germline): Uncertain significance (1 of 4 stars; one submission).

Conditions:
Syndromic multisystem autoimmune disease due to ITCH deficiency. Also called: AUTOIMMUNE DISEASE, MULTISYSTEM, WITH FACIAL DYSMORPHISM. Identifiers: Orphanet 228426, MedGen C3150649, MONDO:0013245, OMIM 613385.

Allele frequency attached by ClinVar (database versions not stated): gnomAD exomes below 0.00001.
gnomAD v4.1: 2 of 1,613,238 alleles (0.00012%); highest among the groups gnomAD compares: Non-Finnish European, 0.000085%; no homozygotes.

Submission:

Labcorp Genetics (formerly Invitae), Labcorp
Classification: Uncertain significance for Syndromic multisystem autoimmune disease due to ITCH deficiency. Last evaluated: 2020-06-18. Review status: criteria provided, single submitter. Criteria: Invitae Variant Classification Sherloc (09022015). Collection method: clinical testing. Allele origin: germline.
Comment: This variant is not present in population databases (ExAC no frequency). In summary, the available evidence is currently insufficient to determine the role of this variant in disease. Therefore, it has been classified as a Variant of Uncertain Significance. Algorithms developed to predict the effect of missense changes on protein structure and function are either unavailable or do not agree on the potential impact of this missense change (SIFT: "Not Available"; PolyPhen-2: "Possibly Damaging"; Align-GVGD: "Not Available"). This variant has not been reported in the literature in individuals with ITCH-related conditions. This sequence change replaces isoleucine with valine at codon 524 of the ITCH protein (p.Ile524Val). The isoleucine residue is highly conserved and there is a small physicochemical difference between isoleucine and valine.

NM_031483.7(ITCH):c.1570A>G (p.Ile524Val)

Gene: ITCH (itchy E3 ubiquitin protein ligase; plus strand). Cytogenetic location: 20q11.22.
Variant type: single nucleotide variant.
Coding change: c.1570A>G on transcript NM_031483.7 (MANE Select); coding-DNA position 1570, A replaced by G.
Protein change: p.Ile524Val; replaces isoleucine 524 with valine.
Molecular consequence: missense variant.
Genome position (GRCh38, 1-based): chr20:34,477,772, A>G. VCF-style: chr20-34477772-A-G. GRCh37 (hg19) VCF-style: chr20-33065577-A-G.
Other names: c.1693A>G, p.Ile565Val (NM_001257137.3, NM_001324197.2); c.1240A>G, p.Ile414Val (NM_001257138.3); c.1570A>G, p.Ile524Val (NM_001324198.2); short protein forms I414V, I524V, I565V.
Identifiers: ClinVar variation 1005191 (VCV001005191.7), dbSNP rs1988375109, ClinGen allele CA408669048.
Genomic context (GRCh38, chr20:34,477,772, plus strand): 5'-AGTGGTAGACAGTGTTTCAATAGCTTTTTTCACCAATTATTTTACTTTATTTTTTTTTAG[A>G]TAATGAGCTTCAGTCCCCAAGATCTGCGAAGACGTTTGTGGGTGATTTTTCCAGGAGAAG-3'
Protein context (NP_113671.3, residues 514-534): KTLFEDSFQQ[Ile524Val]MSFSPQDLRR